The following is an entry in ClinVar:

ClinVar aggregate classification (germline): Uncertain significance (1 of 4 stars; one submission).

Allele frequency attached by ClinVar (database versions not stated): gnomAD exomes 0.00003; ExAC 0.00002.
gnomAD v4.1: 31 of 1,613,738 alleles (0.0019%); highest among the groups gnomAD compares: South Asian, 0.031%; 1 homozygote.

Submission:

Labcorp Genetics (formerly Invitae), Labcorp
Classification: Uncertain significance. Last evaluated: 2021-12-20. Review status: criteria provided, single submitter. Criteria: Invitae Variant Classification Sherloc (09022015). Collection method: clinical testing. Allele origin: germline.
Comment: Variants that disrupt the consensus splice site are a relatively common cause of aberrant splicing (PMID: 17576681, 9536098). Algorithms developed to predict the effect of sequence changes on RNA splicing suggest that this variant is not likely to affect RNA splicing. In summary, the available evidence is currently insufficient to determine the role of this variant in disease. Therefore, it has been classified as a Variant of Uncertain Significance. This variant has not been reported in the literature in individuals affected with UNC80-related conditions. This variant is present in population databases (rs780616201, gnomAD 0.03%). This sequence change falls in intron 7 of the UNC80 gene. It does not directly change the encoded amino acid sequence of the UNC80 protein. It affects a nucleotide within the consensus splice site.

Literature cited by the submitters: PubMed 17576681; PubMed 9536098.

NM_001371986.1(UNC80):c.938+5C>T

Gene: UNC80 (unc-80 homolog, NALCN channel complex subunit; plus strand). Cytogenetic location: 2q34.
Variant type: single nucleotide variant.
Coding change: c.938+5C>T on transcript NM_001371986.1 (MANE Select); 5 bases into the intron after coding-DNA position 938, C replaced by T.
Molecular consequence: intron variant.
Genome position (GRCh38, 1-based): chr2:209,793,864, C>T. VCF-style: chr2-209793864-C-T. GRCh37 (hg19) VCF-style: chr2-210658588-C-T.
Other names: c.938+5C>T (NM_032504.2, NM_182587.4).
Identifiers: ClinVar variation 1514278 (VCV001514278.4), dbSNP rs780616201, ClinGen allele CA2082876.